The following is an entry in ClinVar:

NM_001163678.2(SHOX2):c.556-6C>G

Gene: SHOX2 (SHOX homeobox 2; minus strand). Cytogenetic location: 3q25.32.
Variant type: single nucleotide variant.
Coding change: c.556-6C>G on transcript NM_001163678.2 (MANE Select); 6 bases into the intron before coding-DNA position 556, C replaced by G.
Molecular consequence: intron variant.
Genome position (GRCh38, 1-based): chr3:158,100,317, G>C on the plus strand (C>G on the coding strand, the complement: SHOX2 is on the minus strand). VCF-style: chr3-158100317-G-C. GRCh37 (hg19) VCF-style: chr3-157818106-G-C.
Other names: c.556-6C>G (NM_006884.3); c.628-6C>G (NM_003030.4).
Identifiers: ClinVar variation 3045746 (VCV003045746.2), dbSNP rs144467135, ClinGen allele CA2681263.

ClinVar aggregate classification (germline): Likely benign (0 of 4 stars; one submission).

Conditions:
SHOX2-related disorder. Also called: SHOX2-related condition.

Allele frequency attached by ClinVar (database versions not stated): ExAC 0.00016; ESP Exome Variant Server 0.00038; gnomAD 0.00040; TOPMed 0.00054; 1000 Genomes Project 30x 0.00094; 1000 Genomes Project 0.00120.

Submission:

PreventionGenetics, part of Exact Sciences
Classification: Likely benign for SHOX2-related condition. Last evaluated: 2019-10-04. Review status: no assertion criteria provided. Collection method: clinical testing. Allele origin: germline.
Comment: This variant is classified as likely benign based on ACMG/AMP sequence variant interpretation guidelines (Richards et al. 2015 PMID: 25741868, with internal and published modifications).